The following is an entry in ClinVar:

ClinVar aggregate classification (germline): Uncertain significance (1 of 4 stars; one submission).

Conditions:
DPAGT1-congenital disorder of glycosylation. Also called: DPAGT1-CDG; CONGENITAL DISORDER OF GLYCOSYLATION, TYPE Ij; CDG Ij. Identifiers: Orphanet 86309, MedGen C2931004, MONDO:0011964, OMIM 608093.
Congenital myasthenic syndrome 13 (CMS13). Also called: Myasthenic syndrome, congenital, 13, with tubular aggregates; Myasthenic syndrome, congenital, with tubular aggregates 2. Identifiers: Orphanet 353327, Orphanet 590, MedGen C3553645, MONDO:0013883, OMIM 614750.

Allele frequency attached by ClinVar (database versions not stated): TOPMed below 0.00001; gnomAD exomes 0.00001.

Submission:

Labcorp Genetics (formerly Invitae), Labcorp
Classification: Uncertain significance for Congenital myasthenic syndrome 13; DPAGT1-congenital disorder of glycosylation. Last evaluated: 2018-07-09. Review status: criteria provided, single submitter. Criteria: Invitae Variant Classification Sherloc (09022015). Collection method: clinical testing. Allele origin: germline.
Comment: In summary, the available evidence is currently insufficient to determine the role of this variant in disease. Therefore, it has been classified as a Variant of Uncertain Significance. Algorithms developed to predict the effect of missense changes on protein structure and function output the following: SIFT: "Tolerated"; PolyPhen-2: "Benign"; Align-GVGD: "Class C0". The leucine amino acid residue is found in multiple mammalian species, suggesting that this missense change does not adversely affect protein function. These predictions have not been confirmed by published functional studies and their clinical significance is uncertain. This variant has not been reported in the literature in individuals with DPAGT1-related disease. This variant is not present in population databases (ExAC no frequency). This sequence change replaces proline with leucine at codon 157 of the DPAGT1 protein (p.Pro157Leu). The proline residue is weakly conserved and there is a moderate physicochemical difference between proline and leucine.

NM_001382.4(DPAGT1):c.470C>T (p.Pro157Leu)

Gene: DPAGT1 (dolichyl-phosphate N-acetylglucosaminephosphotransferase 1; minus strand). Cytogenetic location: 11q23.3.
Variant type: single nucleotide variant.
Coding change: c.470C>T on transcript NM_001382.4 (MANE Select); coding-DNA position 470, C replaced by T.
Protein change: p.Pro157Leu; replaces proline 157 with leucine.
Molecular consequence: missense variant.
Genome position (GRCh38, 1-based): chr11:119,100,656, G>A on the plus strand (C>T on the coding strand, the complement: DPAGT1 is on the minus strand). VCF-style: chr11-119100656-G-A. GRCh37 (hg19) VCF-style: chr11-118971366-G-A.
Other names: short protein forms P157L.
Identifiers: ClinVar variation 643168 (VCV000643168.6), dbSNP rs1328286236, ClinGen allele CA382914960.
Genomic context (GRCh38, chr11:119,100,656, plus strand): 5'-GTGCCATAGGGGCAGCAGTGGTAGGACTACCTACCCAAGTCCAGATGCAGGCCAAGTATC[G>A]GGCGGAAGGGCTTGGGCACCACAATGGTCGTGTTGCCAAAGTTGGTGAAATAGACCATGA-3'
Protein context (NP_001373.2, residues 147-167): TTIVVPKPFR[Pro157Leu]ILGLHLDLGI